The following is an entry in ClinVar:

ClinVar aggregate classification (germline): Uncertain significance. Review status: criteria provided, multiple submitters, no conflicts (2 of 4 stars). 3 submissions from 3 submitters: Uncertain significance (3). Last evaluated 2025-01-20.

Conditions:
Chuvash polycythemia. Also called: POLYCYTHEMIA, VHL-DEPENDENT. Identifiers: Orphanet 238557, MedGen C1837915, MONDO:0009892, OMIM 263400.
Von Hippel-Lindau syndrome (VHLS). Also called: Von Hippel-Lindau; VHL syndrome; von Hippel–Lindau syndrome. Identifiers: Orphanet 892, MedGen C0019562, MONDO:0008667, OMIM 193300. Disease mechanism: loss of function.
Hereditary cancer-predisposing syndrome. Also called: Neoplastic Syndromes, Hereditary; Hereditary Cancer Syndrome; Tumor predisposition; Hereditary neoplastic syndrome. Identifiers: Orphanet 140162, MedGen C0027672, MeSH D009386, MONDO:0015356.

Allele frequency attached by ClinVar (database versions not stated): gnomAD exomes below 0.00001; TOPMed below 0.00001.
gnomAD v4.1: 1 of 1,557,512 alleles (0.000064%); highest among the groups gnomAD compares: Non-Finnish European, 0.000087%; no homozygotes.

Submissions (3):

Ambry Genetics
Classification: Uncertain significance for Hereditary cancer-predisposing syndrome. Last evaluated: 2025-01-20. Review status: criteria provided, single submitter. Criteria: Ambry Variant Classification Scheme 2023. Collection method: clinical testing. Allele origin: germline.
Comment: The p.S43P variant (also known as c.127T>C), located in coding exon 1 of the VHL gene, results from a T to C substitution at nucleotide position 127. The serine at codon 43 is replaced by proline, an amino acid with similar properties. This amino acid position is well conserved in available vertebrate species. In addition, this alteration is predicted to be tolerated by in silico analysis. Based on the available evidence, the clinical significance of this variant remains unclear.

Labcorp Genetics (formerly Invitae), Labcorp
Classification: Uncertain significance for Von Hippel-Lindau syndrome; Chuvash polycythemia. Last evaluated: 2024-02-06. Review status: criteria provided, single submitter. Criteria: Invitae Variant Classification Sherloc (09022015). Collection method: clinical testing. Allele origin: germline.
Comment: This sequence change replaces serine, which is neutral and polar, with proline, which is neutral and non-polar, at codon 43 of the VHL protein (p.Ser43Pro). This variant is not present in population databases (gnomAD no frequency). This variant has not been reported in the literature in individuals affected with VHL-related conditions. ClinVar contains an entry for this variant (Variation ID: 1035388). Advanced modeling of protein sequence and biophysical properties (such as structural, functional, and spatial information, amino acid conservation, physicochemical variation, residue mobility, and thermodynamic stability) performed at Invitae indicates that this missense variant is not expected to disrupt VHL protein function with a negative predictive value of 95%. In summary, the available evidence is currently insufficient to determine the role of this variant in disease. Therefore, it has been classified as a Variant of Uncertain Significance.

GeneDx
Classification: Uncertain significance. Last evaluated: 2023-07-06. Review status: criteria provided, single submitter. Criteria: GeneDx Variant Classification Process June 2021. Collection method: clinical testing. Allele origin: germline. Affected: yes.
Comment: Not observed at significant frequency in large population cohorts (gnomAD); In silico analysis supports that this missense variant does not alter protein structure/function; Has not been previously published as pathogenic or benign to our knowledge

NM_000551.4(VHL):c.127T>C (p.Ser43Pro)

Gene: VHL (von Hippel-Lindau tumor suppressor; plus strand). Cytogenetic location: 3p25.3.
Variant type: single nucleotide variant.
Coding change: c.127T>C on transcript NM_000551.4 (MANE Select); coding-DNA position 127, T replaced by C.
Protein change: p.Ser43Pro; replaces serine 43 with proline.
Molecular consequence: missense variant.
Genome position (GRCh38, 1-based): chr3:10,141,974, T>C. VCF-style: chr3-10141974-T-C. GRCh37 (hg19) VCF-style: chr3-10183658-T-C.
Other names: c.127T>C (NM_000551.3); c.127T>C, p.Ser43Pro (NM_001354723.2, NM_198156.3); short protein forms S43P.
Identifiers: ClinVar variation 1035388 (VCV001035388.8), dbSNP rs1696123001, ClinGen allele CA351748001.
Genomic context (GRCh38, chr3:10,141,974, plus strand): 5'-TACGGCCCTGAAGAAGACGGCGGGGAGGAGTCGGGCGCCGAGGAGTCCGGCCCGGAAGAG[T>C]CCGGCCCGGAGGAACTGGGCGCCGAGGAGGAGATGGAGGCCGGGCGGCCGCGGCCCGTGC-3'
Protein context (NP_000542.1, residues 33-53): SGAEESGPEE[Ser43Pro]GPEELGAEEE